The following is an entry in ClinVar:

NM_000489.6(ATRX):c.5380A>G (p.Met1794Val)

Gene: ATRX (ATRX chromatin remodeler; minus strand). Cytogenetic location: Xq21.1.
Variant type: single nucleotide variant.
Coding change: c.5380A>G on transcript NM_000489.6 (MANE Select); coding-DNA position 5380, A replaced by G.
Protein change: p.Met1794Val; replaces methionine 1794 with valine.
Molecular consequence: missense variant.
Genome position (GRCh38, 1-based): chrX:77,618,874, T>C on the plus strand (A>G on the coding strand, the complement: ATRX is on the minus strand). VCF-style: chrX-77618874-T-C. GRCh37 (hg19) VCF-style: chrX-76874342-T-C.
Other names: c.5266A>G, p.Met1756Val (NM_138270.5); short protein forms M1756V, M1794V.
Identifiers: ClinVar variation 1747175 (VCV001747175.2), dbSNP rs2148259072, ClinGen allele CA413700755.
Genomic context (GRCh38, chrX:77,618,874, plus strand): 5'-ATCCAGCTAACATCTCATAGAGAATGTGAGCACGTTTTTTCATCACTCTGACATCTACCA[T>C]GGTAGAATCTGCACACTGACCATTTTGAATTGGATTTATAAATCTATTCCTGAACTCCTT-3'
Protein context (NP_000480.3, residues 1784-1804): IQNGQCADST[Met1794Val]VDVRVMKKRA

ClinVar aggregate classification (germline): Uncertain significance (1 of 4 stars; one submission).

Conditions:
Inborn genetic diseases. Identifiers: MedGen C0950123, MeSH D030342.

Submission:

Ambry Genetics
Classification: Uncertain significance for Inborn genetic diseases. Last evaluated: 2017-06-14. Review status: criteria provided, single submitter. Criteria: Ambry Variant Classification Scheme 2023. Collection method: clinical testing. Allele origin: germline.
Comment: The p.M1794V variant (also known as c.5380A>G), located in coding exon 21 of the ATRX gene, results from an A to G substitution at nucleotide position 5380. The methionine at codon 1794 is replaced by valine, an amino acid with highly similar properties. This amino acid position is not well conserved in available vertebrate species. In addition, this alteration is predicted to be tolerated by in silico analysis. Since supporting evidence is limited at this time, the clinical significance of this alteration remains unclear.